The following is an entry in ClinVar:

ClinVar aggregate classification (germline): Uncertain significance. Review status: criteria provided, multiple submitters, no conflicts (2 of 4 stars). 2 submissions from 2 submitters: Uncertain significance (2). Last evaluated 2024-05-22.

Allele frequency attached by ClinVar (database versions not stated): gnomAD exomes 0.00001; gnomAD 0.00002; TOPMed 0.00002.

Submissions (2):

GeneDx
Classification: Uncertain significance. Last evaluated: 2024-05-22. Review status: criteria provided, single submitter. Criteria: GeneDx Variant Classification Process June 2021. Collection method: clinical testing. Allele origin: germline. Affected: yes.
Comment: Not observed at significant frequency in large population cohorts (gnomAD); Missense variant in a gene in which most reported pathogenic variants are truncating/loss of function; Has not been previously published as pathogenic or benign to our knowledge

Revvity Omics, Revvity
Classification: Uncertain significance. Last evaluated: 2022-09-27. Review status: criteria provided, single submitter. Criteria: ACMG Guidelines, 2015. Collection method: clinical testing. Allele origin: germline.

NM_001267550.2(TTN):c.22244G>A (p.Arg7415His)

Gene: TTN (titin; minus strand). Cytogenetic location: 2q31.2.
Variant type: single nucleotide variant.
Coding change: c.22244G>A on transcript NM_001267550.2 (MANE Select); coding-DNA position 22244, G replaced by A.
Protein change: p.Arg7415His; replaces arginine 7415 with histidine.
Molecular consequence: missense variant. On other transcripts: intron variant (3).
Genome position (GRCh38, 1-based): chr2:178,722,543, C>T on the plus strand (G>A on the coding strand, the complement: TTN is on the minus strand). VCF-style: chr2-178722543-C-T. GRCh37 (hg19) VCF-style: chr2-179587270-C-T.
Other names: c.21293G>A, p.Arg7098His (NM_001256850.1); c.18512G>A, p.Arg6171His (NM_133378.4); c.13282+15539G>A (NM_003319.4); c.13858+15539G>A (NM_133437.4); c.13657+15539G>A (NM_133432.3); short protein forms R6171H, R7098H, R7415H.
Identifiers: ClinVar variation 2438191 (VCV002438191.4), dbSNP rs868753255, ClinGen allele CA60973555.